The following is an entry in ClinVar:

ClinVar aggregate classification (germline): Uncertain significance (1 of 4 stars; one submission).

gnomAD v4.1: 1 of 1,613,762 alleles (0.000062%); highest among the groups gnomAD compares: Non-Finnish European, 0.000085%; no homozygotes.

Submission:

Labcorp Genetics (formerly Invitae), Labcorp
Classification: Uncertain significance. Last evaluated: 2025-02-12. Review status: criteria provided, single submitter. Criteria: Invitae Variant Classification Sherloc (09022015). Collection method: clinical testing. Allele origin: germline.
Comment: This sequence change replaces glutamine, which is neutral and polar, with leucine, which is neutral and non-polar, at codon 569 of the MME protein (p.Gln569Leu). This variant is not present in population databases (gnomAD no frequency). This variant has not been reported in the literature in individuals affected with MME-related conditions. Invitae Evidence Modeling of protein sequence and biophysical properties (such as structural, functional, and spatial information, amino acid conservation, physicochemical variation, residue mobility, and thermodynamic stability) indicates that this missense variant is not expected to disrupt MME protein function with a negative predictive value of 80%. In summary, the available evidence is currently insufficient to determine the role of this variant in disease. Therefore, it has been classified as a Variant of Uncertain Significance.

NM_007289.4(MME):c.1706A>T (p.Gln569Leu)

Gene: MME (membrane metalloendopeptidase; plus strand). Cytogenetic location: 3q25.2.
Variant type: single nucleotide variant.
Coding change: c.1706A>T on transcript NM_007289.4 (MANE Select); coding-DNA position 1706, A replaced by T.
Protein change: p.Gln569Leu; replaces glutamine 569 with leucine.
Molecular consequence: missense variant.
Genome position (GRCh38, 1-based): chr3:155,166,947, A>T. VCF-style: chr3-155166947-A-T. GRCh37 (hg19) VCF-style: chr3-154884736-A-T.
Other names: c.1706A>T, p.Gln569Leu (NM_000902.5, NM_001354642.2, NM_001354643.1 and 2 more transcripts); short protein forms Q569L.
Identifiers: ClinVar variation 4742440 (VCV004742440.1).